The following is an entry in ClinVar:

NM_001032386.2(SUOX):c.650G>A (p.Arg217Gln)

Gene: SUOX (sulfite oxidase; plus strand). Cytogenetic location: 12q13.2.
Variant type: single nucleotide variant.
Coding change: c.650G>A on transcript NM_001032386.2 (MANE Select); coding-DNA position 650, G replaced by A.
Protein change: p.Arg217Gln; replaces arginine 217 with glutamine.
Molecular consequence: missense variant.
Genome position (GRCh38, 1-based): chr12:56,004,039, G>A. VCF-style: chr12-56004039-G-A. GRCh37 (hg19) VCF-style: chr12-56397823-G-A.
Other names: ARG160GLN; R160Q; c.650G>A, p.Arg217Gln (NM_000456.3, NM_001032387.2); short protein forms R217Q.
Identifiers: ClinVar variation 3820 (VCV000003820.13), dbSNP rs121908007, ClinGen allele CA116469.
Genomic context (GRCh38, chr12:56,004,039, plus strand): 5'-AGCCTCCCCCTGAGCTGCTGACAGAAAACTACATCACACCCAACCCTATCTTCTTCACCC[G>A]GAACCATCTGCCTGTACCTAACCTGGATCCAGACACCTATCGCTTACACGTAGTAGGAGC-3'
Protein context (NP_001027558.1, residues 207-227): YITPNPIFFT[Arg217Gln]NHLPVPNLDP

ClinVar aggregate classification (germline): Pathogenic/Likely pathogenic. Review status: criteria provided, multiple submitters, no conflicts (2 of 4 stars). 6 submissions from 6 submitters: Pathogenic (2); Likely pathogenic (2). 2 of the submissions do not count toward it. Last evaluated 2024-10-04.

Conditions:
SUOX-related disorder. Also called: SUOX-related condition.
Sulfite oxidase deficiency. Also called: Isolated sulfite oxidase deficiency. Identifiers: Orphanet 833, Orphanet 99731, MedGen C0268624, MONDO:0010089, OMIM 272300, HP:0003643.

Allele frequency attached by ClinVar (database versions not stated): TOPMed 0.00002; gnomAD exomes 0.00001 and 0.00003; gnomAD 0.00001; ExAC 0.00002.
gnomAD v4.1: 12 of 1,613,880 alleles (0.00074%); highest among the groups gnomAD compares: East Asian, 0.011%; no homozygotes.

Submissions (6):

Dubai Health Genomic Medicine Center, Dubai Health
Classification: Pathogenic for Sulfite oxidase deficiency. Last evaluated: 2024-10-04. Review status: criteria provided, single submitter. Criteria: ACMG Guidelines, 2015. Collection method: research. Allele origin: germline. Affected: yes.
Comment: PS3,PM3(strong),PM2,PP3,PM5

Labcorp Genetics (formerly Invitae), Labcorp
Classification: Likely pathogenic for Sulfite oxidase deficiency. Last evaluated: 2024-07-31. Review status: criteria provided, single submitter. Criteria: Invitae Variant Classification Sherloc (09022015). Collection method: clinical testing. Allele origin: germline.
Comment: This sequence change replaces arginine, which is basic and polar, with glutamine, which is neutral and polar, at codon 217 of the SUOX protein (p.Arg217Gln). This variant is present in population databases (rs121908007, gnomAD 0.02%). This missense change has been observed in individual(s) with clinical features of sulfite oxidase deficiency (PMID: 9600976, 12368985, 33333793). In at least one individual the data is consistent with being in trans (on the opposite chromosome) from a pathogenic variant. This variant is also known as R160Q. ClinVar contains an entry for this variant (Variation ID: 3820). Advanced modeling of protein sequence and biophysical properties (such as structural, functional, and spatial information, amino acid conservation, physicochemical variation, residue mobility, and thermodynamic stability) performed at Invitae indicates that this missense variant is expected to disrupt SUOX protein function with a positive predictive value of 80%. Experimental studies have shown that this missense change affects SUOX function (PMID: 9600976). This variant disrupts the p.Arg217 amino acid residue in SUOX. Other variant(s) that disrupt this residue have been observed in individuals with SUOX-related conditions (PMID: 28725568), which suggests that this may be a clinically significant amino acid residue. In summary, the currently available evidence indicates that the variant is pathogenic, but additional data are needed to prove that conclusively. Therefore, this variant has been classified as Likely Pathogenic.

Fulgent Genetics
Classification: Likely pathogenic for Sulfite oxidase deficiency. Last evaluated: 2024-03-07. Review status: criteria provided, single submitter. Criteria: ACMG Guidelines, 2015. Collection method: clinical testing. Allele origin: germline.

Blueprint Genetics
Classification: Pathogenic for SUOX-related disorders. Last evaluated: 2021-11-10. Review status: criteria provided, single submitter. Criteria: ACMG Guidelines, 2015. Collection method: clinical testing. Allele origin: germline. Affected: yes. Observed: 1 variant allele.

OMIM
Classification: Pathogenic for SULFITE OXIDASE DEFICIENCY, ISOLATED. Last evaluated: 1998-05-26. Review status: no assertion criteria provided. Collection method: literature only. Allele origin: germline. Not counted in ClinVar's aggregate classification.

GeneReviews
No classification provided. Condition: Sulfite oxidase deficiency. Review status: no classification provided. Collection method: literature only. Allele origin: germline. Not counted in ClinVar's aggregate classification.

Literature cited by the submitters: PubMed 9600976 (cited by Labcorp Genetics (formerly Invitae), Labcorp and OMIM); PubMed 12368985 (cited by Labcorp Genetics (formerly Invitae), Labcorp); PubMed 33333793 (cited by Labcorp Genetics (formerly Invitae), Labcorp); PubMed 28725568 (cited by Labcorp Genetics (formerly Invitae), Labcorp); PubMed 9428520 (cited by OMIM); NCBI Bookshelf NBK453433 (cited by GeneReviews); PubMed 28933809 (cited by GeneReviews).